The following is an entry in ClinVar:

NM_152703.5(SAMD9L):c.3011A>G (p.Tyr1004Cys)

Gene: SAMD9L (sterile alpha motif domain containing 9 like; minus strand). Cytogenetic location: 7q21.2.
Variant type: single nucleotide variant.
Coding change: c.3011A>G on transcript NM_152703.5 (MANE Select); coding-DNA position 3011, A replaced by G.
Protein change: p.Tyr1004Cys; replaces tyrosine 1004 with cysteine.
Molecular consequence: missense variant.
Genome position (GRCh38, 1-based): chr7:93,132,961, T>C on the plus strand (A>G on the coding strand, the complement: SAMD9L is on the minus strand). VCF-style: chr7-93132961-T-C. GRCh37 (hg19) VCF-style: chr7-92762274-T-C.
Other names: c.3011A>G, p.Tyr1004Cys (NM_001303496.3, NM_001303497.3, NM_001303498.3 and 5 more transcripts); short protein forms Y1004C.
Identifiers: ClinVar variation 4159259 (VCV004159259.1).

ClinVar aggregate classification (germline): Uncertain significance (1 of 4 stars; one submission).

Conditions:
Inborn genetic diseases. Identifiers: MedGen C0950123, MeSH D030342.

Submission:

Ambry Genetics
Classification: Uncertain significance for Inborn genetic diseases. Last evaluated: 2025-06-22. Review status: criteria provided, single submitter. Criteria: Ambry Variant Classification Scheme 2023. Collection method: clinical testing. Allele origin: germline.
Comment: The p.Y1004C variant (also known as c.3011A>G), located in coding exon 1 of the SAMD9L gene, results from an A to G substitution at nucleotide position 3011. The tyrosine at codon 1004 is replaced by cysteine, an amino acid with highly dissimilar properties. This amino acid position is conserved. In addition, this alteration is predicted to be tolerated by in silico analysis. Based on the available evidence, the clinical significance of this variant remains unclear.